The following is an entry in ClinVar:

ClinVar aggregate classification (germline): Uncertain significance (1 of 4 stars; one submission).

gnomAD v4.1: 3 of 1,613,190 alleles (0.00019%); highest among the groups gnomAD compares: Non-Finnish European, 0.00025%; no homozygotes.

Submission:

GeneDx
Classification: Uncertain significance. Last evaluated: 2026-01-27. Review status: criteria provided, single submitter. Criteria: GeneDx Variant Classification Process June 2021. Collection method: clinical testing. Allele origin: germline. Affected: yes.
Comment: Not observed at significant frequency in large population cohorts (gnomAD); In silico analysis suggests that this missense variant does not alter protein structure/function; Has not been previously published as pathogenic or benign to our knowledge

NM_000875.5(IGF1R):c.4079C>G (p.Pro1360Arg)

Gene: IGF1R (insulin like growth factor 1 receptor; plus strand). Cytogenetic location: 15q26.3.
Variant type: single nucleotide variant.
Coding change: c.4079C>G on transcript NM_000875.5 (MANE Select); coding-DNA position 4079, C replaced by G.
Protein change: p.Pro1360Arg; replaces proline 1360 with arginine.
Molecular consequence: missense variant.
Genome position (GRCh38, 1-based): chr15:98,957,417, C>G. VCF-style: chr15-98957417-C-G. GRCh37 (hg19) VCF-style: chr15-99500646-C-G.
Other names: c.4076C>G, p.Pro1359Arg (NM_001291858.2); short protein forms P1359R, P1360R.
Identifiers: ClinVar variation 1310305 (VCV001310305.3), dbSNP rs779623011, ClinGen allele CA393669995.